The following is an entry in ClinVar:

NM_018896.5(CACNA1G):c.2659T>C (p.Phe887Leu)

Gene: CACNA1G (calcium voltage-gated channel subunit alpha1 G; plus strand). Cytogenetic location: 17q21.33.
Variant type: single nucleotide variant.
Coding change: c.2659T>C on transcript NM_018896.5 (MANE Select); coding-DNA position 2659, T replaced by C.
Protein change: p.Phe887Leu; replaces phenylalanine 887 with leucine.
Molecular consequence: missense variant. On other transcripts: non-coding transcript variant (5).
Genome position (GRCh38, 1-based): chr17:50,591,758, T>C. VCF-style: chr17-50591758-T-C. GRCh37 (hg19) VCF-style: chr17-48669119-T-C.
Other names: c.2659T>C, p.Phe887Leu (NM_001256324.2, NM_001256325.2, NM_001256326.2 and 24 more transcripts); short protein forms F887L.
Identifiers: ClinVar variation 2443557 (VCV002443557.1), dbSNP rs2545229279, ClinGen allele CA400249100.

ClinVar aggregate classification (germline): Uncertain significance (1 of 4 stars; one submission).

Submission:

GeneDx
Classification: Uncertain significance. Last evaluated: 2022-09-12. Review status: criteria provided, single submitter. Criteria: GeneDx Variant Classification Process June 2021. Collection method: clinical testing. Allele origin: germline. Affected: yes.
Comment: Not observed at significant frequency in large population cohorts (gnomAD); In silico analysis supports that this missense variant has a deleterious effect on protein structure/function; Has not been previously published as pathogenic or benign to our knowledge